The following is an entry in ClinVar:

NM_003482.4(KMT2D):c.16501C>T (p.Arg5501Ter)

Gene: KMT2D (lysine methyltransferase 2D; minus strand). Cytogenetic location: 12q13.12.
Variant type: single nucleotide variant.
Coding change: c.16501C>T on transcript NM_003482.4 (MANE Select); coding-DNA position 16501, C replaced by T.
Protein change: p.Arg5501Ter; replaces arginine 5501 with a stop codon.
Molecular consequence: nonsense.
Genome position (GRCh38, 1-based): chr12:49,022,063, G>A on the plus strand (C>T on the coding strand, the complement: KMT2D is on the minus strand). VCF-style: chr12-49022063-G-A. GRCh37 (hg19) VCF-style: chr12-49415846-G-A.
Other names: short protein forms R5501*.
Identifiers: ClinVar variation 280126 (VCV000280126.18), dbSNP rs886041398, ClinGen allele CA10603301.

ClinVar aggregate classification (germline): Pathogenic. Review status: criteria provided, multiple submitters, no conflicts (2 of 4 stars). 7 submissions from 7 submitters: Pathogenic (4). 3 of the submissions do not count toward it. Last evaluated 2023-06-06.

Conditions:
Kabuki syndrome 1 (KABUK1). Also called: KMT2D-Related Kabuki Syndrome. Identifiers: Orphanet 2322, MedGen CN030661, MONDO:0007843, OMIM 147920.
Kabuki syndrome. Also called: Kabuki make-up syndrome; NIIKAWA-KUROKI SYNDROME. Identifiers: Orphanet 2322, MedGen C0796004, MONDO:0016512.

Submissions (7):

Revvity Omics, Revvity
Classification: Pathogenic. Last evaluated: 2023-06-06. Review status: criteria provided, single submitter. Criteria: ACMG Guidelines, 2015. Collection method: clinical testing. Allele origin: germline.

Labcorp Genetics (formerly Invitae), Labcorp
Classification: Pathogenic for Kabuki syndrome. Last evaluated: 2022-02-04. Review status: criteria provided, single submitter. Criteria: Invitae Variant Classification Sherloc (09022015). Collection method: clinical testing. Allele origin: germline.
Comment: Algorithms developed to predict the effect of sequence changes on RNA splicing suggest that this variant may create or strengthen a splice site. ClinVar contains an entry for this variant (Variation ID: 280126). This premature translational stop signal has been observed in individual(s) with clinical features of Kabuki syndrome (PMID: 2071175, 28884922). In at least one individual the variant was observed to be de novo. This variant is not present in population databases (gnomAD no frequency). This sequence change creates a premature translational stop signal (p.Arg5501*) in the KMT2D gene. While this is not anticipated to result in nonsense mediated decay, it is expected to disrupt the last 37 amino acid(s) of the KMT2D protein. For these reasons, this variant has been classified as Pathogenic.

GeneDx
Classification: Pathogenic. Last evaluated: 2019-08-14. Review status: criteria provided, single submitter. Criteria: GeneDx Variant Classification Process June 2021. Collection method: clinical testing. Allele origin: germline. Affected: yes.
Comment: Nonsense variant in the C-terminus predicted to result in protein truncation, as the last 37 amino acids are lost; Not observed in large population cohorts (Lek et al., 2016); This variant is associated with the following publications: (PMID: 20711175, 25525159, 27302555, 28884922, 29568095)

3billion
Classification: Pathogenic for Kabuki syndrome 1. Review status: criteria provided, single submitter. Criteria: ACMG Guidelines, 2015. Collection method: clinical testing. Allele origin: unknown. Affected: yes. Observed: 1 heterozygote.
Comment: The variant is not observed in the gnomAD v2.1.1 dataset. This stop-gained (nonsense) variant is predicted to result in a loss or disruption of normal protein function through protein truncation. The predicted truncated protein may be shortened by less than 10%. The variant has been observed in at least two similarly affected unrelated individuals (PMID: 27302555). The variant has been previously reported as assumed (i.e. paternity and maternity not confirmed) de novo in at least two similarly affected unrelated individuals (PMID: 27302555, 28884922). The variant has been reported at least twice as pathogenic without evidence for the classification (ClinVar ID: VCV000280126/PMID: 20711175). Therefore, this variant is classified as pathogenic according to the recommendation of ACMG/AMP guideline.

Gharavi Laboratory, Columbia University
Classification: Likely pathogenic for Kabuki syndrome 1. Last evaluated: 2024-11-05. Review status: no assertion criteria provided. Criteria: ACMG Guidelines, 2015. Collection method: case-control. Allele origin: germline. Affected: yes. Not counted in ClinVar's aggregate classification.

Molecular Genetics Laboratory, BC Children's and BC Women's Hospitals
Classification: Pathogenic for Kabuki syndrome 1. Last evaluated: 2017-07-12. Review status: no assertion criteria provided. Criteria: ACMG Guidelines, 2015. Collection method: clinical testing. Allele origin: de novo. Affected: yes. Not counted in ClinVar's aggregate classification.

Autoinflammatory diseases unit, CHU de Montpellier
Classification: Pathogenic for Kabuki syndrome 1. Last evaluated: 2015-04-30. Review status: no assertion criteria provided. Collection method: clinical testing. Allele origin: unknown. Affected: yes. Not counted in ClinVar's aggregate classification.

Literature cited by the submitters: PubMed 2071175 (cited by Labcorp Genetics (formerly Invitae), Labcorp); PubMed 28884922 (cited by Labcorp Genetics (formerly Invitae), Labcorp and 3billion); PubMed 20711175 (cited by 3billion); PubMed 27302555 (cited by 3billion).